The following is an entry in ClinVar:

NM_006158.5(NEFL):c.1343A>G (p.Gln448Arg)

Gene: NEFL (neurofilament light chain; minus strand). Cytogenetic location: 8p21.2.
Variant type: single nucleotide variant.
Coding change: c.1343A>G on transcript NM_006158.5 (MANE Select); coding-DNA position 1343, A replaced by G.
Protein change: p.Gln448Arg; replaces glutamine 448 with arginine.
Molecular consequence: missense variant.
Genome position (GRCh38, 1-based): chr8:24,953,622, T>C on the plus strand (A>G on the coding strand, the complement: NEFL is on the minus strand). VCF-style: chr8-24953622-T-C. GRCh37 (hg19) VCF-style: chr8-24811136-T-C.
Other names: short protein forms Q448R.
Identifiers: ClinVar variation 1403650 (VCV001403650.6), dbSNP rs2117251585, ClinGen allele CA370620143.

ClinVar aggregate classification (germline): Uncertain significance (1 of 4 stars; one submission).

Conditions:
Charcot-Marie-Tooth disease type 2E (CMT2E). Also called: CHARCOT-MARIE-TOOTH NEUROPATHY, TYPE 2E; CHARCOT-MARIE-TOOTH DISEASE, AXONAL, TYPE 2E. Identifiers: Orphanet 99939, MedGen C1843225, MONDO:0011894, OMIM 607684.

Allele frequency attached by ClinVar (database versions not stated): gnomAD exomes below 0.00001.

Submission:

Labcorp Genetics (formerly Invitae), Labcorp
Classification: Uncertain significance for Charcot-Marie-Tooth disease type 2E. Last evaluated: 2022-08-16. Review status: criteria provided, single submitter. Criteria: Invitae Variant Classification Sherloc (09022015). Collection method: clinical testing. Allele origin: germline.
Comment: This sequence change replaces glutamine, which is neutral and polar, with arginine, which is basic and polar, at codon 448 of the NEFL protein (p.Gln448Arg). This variant is not present in population databases (gnomAD no frequency). This variant has not been reported in the literature in individuals affected with NEFL-related conditions. ClinVar contains an entry for this variant (Variation ID: 1403650). Experimental studies and prediction algorithms are not available or were not evaluated, and the functional significance of this variant is currently unknown. In summary, the available evidence is currently insufficient to determine the role of this variant in disease. Therefore, it has been classified as a Variant of Uncertain Significance.